The following is an entry in ClinVar:

NM_016219.5(MAN1B1):c.1739C>T (p.Pro580Leu)

Gene: MAN1B1 (mannosidase alpha class 1B member 1; plus strand). Cytogenetic location: 9q34.3.
Variant type: single nucleotide variant.
Coding change: c.1739C>T on transcript NM_016219.5 (MANE Select); coding-DNA position 1739, C replaced by T.
Protein change: p.Pro580Leu; replaces proline 580 with leucine.
Molecular consequence: missense variant. On other transcripts: non-coding transcript variant (2).
Genome position (GRCh38, 1-based): chr9:137,107,422, C>T. VCF-style: chr9-137107422-C-T. GRCh37 (hg19) VCF-style: chr9-140001874-C-T.
Other names: c.1631C>T, p.Pro544Leu (NM_007230.1); c.1739C>T (NM_016219.3); short protein forms P544L, P580L.
Identifiers: ClinVar variation 2505837 (VCV002505837.2), dbSNP rs200676067, ClinGen allele CA5359350.
Genomic context (GRCh38, chr9:137,107,422, plus strand): 5'-ACCGGCAGATGGAGACGGGGCTGAGTCCCGAGATCGTGCACTTCAACCTTTACCCCCAGC[C>T]GGGCCGTCGGGACGTGGAGGTCAAGGTGGGCCTGGGCCTGGGTCAGGGTCCATCAGGAGG-3'
Protein context (NP_057303.2, residues 570-590): EIVHFNLYPQ[Pro580Leu]GRRDVEVKPA

ClinVar aggregate classification (germline): Uncertain significance. Review status: criteria provided, multiple submitters, no conflicts (2 of 4 stars). 2 submissions from 2 submitters: Uncertain significance (2). Last evaluated 2025-12-16.

Conditions:
Inborn genetic diseases. Identifiers: MedGen C0950123, MeSH D030342.

Allele frequency attached by ClinVar (database versions not stated): TOPMed 0.00003; ExAC 0.00005; gnomAD 0.00005; ESP Exome Variant Server 0.00008; gnomAD exomes 0.00008.
gnomAD v4.1: 128 of 1,613,316 alleles (0.0079%); highest among the groups gnomAD compares: Middle Eastern, 0.016%; no homozygotes.

Submissions (2):

Ambry Genetics
Classification: Uncertain significance for Inborn genetic diseases. Last evaluated: 2025-12-16. Review status: criteria provided, single submitter. Criteria: Ambry Variant Classification Scheme 2023. Collection method: clinical testing. Allele origin: germline.

GeneDx
Classification: Uncertain significance. Last evaluated: 2022-12-15. Review status: criteria provided, single submitter. Criteria: GeneDx Variant Classification Process June 2021. Collection method: clinical testing. Allele origin: germline. Affected: yes.
Comment: In silico analysis supports that this missense variant does not alter protein structure/function; Has not been previously published as pathogenic or benign to our knowledge